The following is an entry in ClinVar:

NM_001378204.1(CCDC18):c.2293-21AT[6]

Gene: CCDC18 (coiled-coil domain containing 18; plus strand). Cytogenetic location: 1p22.1.
Variant type: Microsatellite.
Coding change: c.2293-21AT[6] on transcript NM_001378204.1 (MANE Select); six copies in a row of the 2-base unit AT starting at c.2293-21; the reference has seven copies in a row; one copy, 2 bases deleted.
Molecular consequence: intron variant.
Genome position (GRCh38, 1-based): chr1:93,232,417-93,232,418, AT deleted; deleting any 2 consecutive bases within chr1:93,232,405-93,232,418 gives the same sequence; the position shown is the placement nearest the transcript's 3' end. VCF-style (leftmost placement, unchanged base first): chr1-93232404-GAT-G. GRCh37 (hg19) VCF-style: chr1-93697961-GAT-G.
Other names: c.2293-21AT[6] (NM_206886.4); c.2290-21AT[6] (NM_001306076.1); c.2290-9_2290-8delAT (NM_001306076.1).
Identifiers: ClinVar variation 3060311 (VCV003060311.2), dbSNP rs147449225, ClinGen allele CA954298.

ClinVar aggregate classification (germline): Benign (0 of 4 stars; one submission).

Conditions:
CCDC18-related disorder. Also called: CCDC18-related condition.

Submission:

PreventionGenetics, part of Exact Sciences
Classification: Benign for CCDC18-related condition. Last evaluated: 2019-05-08. Review status: no assertion criteria provided. Collection method: clinical testing. Allele origin: germline.
Comment: This variant is classified as benign based on ACMG/AMP sequence variant interpretation guidelines (Richards et al. 2015 PMID: 25741868, with internal and published modifications).